The following is an entry in ClinVar:

NM_002087.4(GRN):c.1011G>C (p.Gln337His)

Gene: GRN (granulin precursor; plus strand). Cytogenetic location: 17q21.31.
Variant type: single nucleotide variant.
Coding change: c.1011G>C on transcript NM_002087.4 (MANE Select); coding-DNA position 1011, G replaced by C.
Protein change: p.Gln337His; replaces glutamine 337 with histidine.
Molecular consequence: missense variant.
Genome position (GRCh38, 1-based): chr17:44,351,627, G>C. VCF-style: chr17-44351627-G-C. GRCh37 (hg19) VCF-style: chr17-42428995-G-C.
Other names: short protein forms Q337H.
Identifiers: ClinVar variation 2941844 (VCV002941844.3), dbSNP rs2510057245, ClinGen allele CA399765289.
Genomic context (GRCh38, chr17:44,351,627, plus strand): 5'-CCACATACACTGCTGTCCCGCGGGGTTTACGTGTGACACGCAGAAGGGTACCTGTGAACA[G>C]GGGCCCCACCAGGTGCCCTGGATGGAGAAGGCCCCAGCTCACCTCAGCCTGCCAGACCCA-3'
Protein context (NP_002078.1, residues 327-347): TCDTQKGTCE[Gln337His]GPHQVPWMEK

ClinVar aggregate classification (germline): Uncertain significance (1 of 4 stars; one submission).

Conditions:
GRN-related frontotemporal lobar degeneration with Tdp43 inclusions (FTD2). Also called: DEMENTIA, HEREDITARY DYSPHASIC DISINHIBITION; FRONTOTEMPORAL LOBAR DEGENERATION WITH UBIQUITIN-POSITIVE INCLUSIONS; FTLD-TDP, GRN-RELATED; GRN Frontotemporal Dementia; FRONTOTEMPORAL DEMENTIA WITH TDP43 INCLUSIONS, GRN-RELATED. Identifiers: Orphanet 100070, Orphanet 282, MedGen C1843792, MONDO:0011842, OMIM 607485. Disease mechanism: loss of function.
Neuronal ceroid lipofuscinosis 11. Also called: GRN-Related Neuronal Ceroid-Lipofuscinosis. Identifiers: Orphanet 314629, Orphanet 79262, MedGen C3539123, MONDO:0013866, OMIM 614706.

Submission:

Labcorp Genetics (formerly Invitae), Labcorp
Classification: Uncertain significance for Neuronal ceroid lipofuscinosis 11; GRN-related frontotemporal lobar degeneration with Tdp43 inclusions. Last evaluated: 2022-12-03. Review status: criteria provided, single submitter. Criteria: Invitae Variant Classification Sherloc (09022015). Collection method: clinical testing. Allele origin: germline.
Comment: This variant has not been reported in the literature in individuals affected with GRN-related conditions. In summary, the available evidence is currently insufficient to determine the role of this variant in disease. Therefore, it has been classified as a Variant of Uncertain Significance. Advanced modeling of protein sequence and biophysical properties (such as structural, functional, and spatial information, amino acid conservation, physicochemical variation, residue mobility, and thermodynamic stability) performed at Invitae indicates that this missense variant is not expected to disrupt GRN protein function. This variant is not present in population databases (gnomAD no frequency). This sequence change replaces glutamine, which is neutral and polar, with histidine, which is basic and polar, at codon 337 of the GRN protein (p.Gln337His).